The following is an entry in ClinVar:

ClinVar aggregate classification (germline): Benign/Likely benign. Review status: criteria provided, multiple submitters, no conflicts (2 of 4 stars). 5 submissions from 5 submitters: Benign (2); Likely benign (2). 1 of the submissions does not count toward it. Last evaluated 2026-04-15.

Conditions:
GFI1-related disorder. Also called: GFI1-related condition.
Neutropenia, severe congenital, 2, autosomal dominant. Identifiers: Orphanet 486, MedGen C2751288, MONDO:0013139, OMIM 613107.

Allele frequency attached by ClinVar (database versions not stated): 1000 Genomes Project 0.00040; ESP Exome Variant Server 0.00046; 1000 Genomes Project 30x 0.00047; TOPMed 0.00073; gnomAD 0.00101 and 0.00104; ExAC 0.00117; gnomAD exomes 0.00121 and 0.00123.
gnomAD v4.1: 1,766 of 1,486,092 alleles (0.12%); highest among the groups gnomAD compares: Non-Finnish European, 0.12%; 1 homozygote.

Submissions (5):

Women's Health and Genetics/Laboratory Corporation of America, LabCorp
Classification: Benign. Last evaluated: 2026-04-15. Review status: criteria provided, single submitter. Criteria: LabCorp Variant Classification Summary - May 2015. Collection method: clinical testing. Allele origin: germline.

Labcorp Genetics (formerly Invitae), Labcorp
Classification: Benign for Neutropenia, severe congenital, 2, autosomal dominant. Last evaluated: 2024-10-24. Review status: criteria provided, single submitter. Criteria: Invitae Variant Classification Sherloc (09022015). Collection method: clinical testing. Allele origin: germline.

Blueprint Genetics
Classification: Likely benign. Last evaluated: 2024-10-18. Review status: criteria provided, single submitter. Criteria: ACMG Guidelines, 2015. Collection method: clinical testing. Allele origin: germline.

Mendelics
Classification: Likely benign for Neutropenia, severe congenital, 2, autosomal dominant. Last evaluated: 2019-05-28. Review status: criteria provided, single submitter. Criteria: Mendelics Assertion Criteria 2017. Collection method: clinical testing. Allele origin: unknown.

PreventionGenetics, part of Exact Sciences
Classification: Likely benign for GFI1-related condition. Last evaluated: 2019-07-02. Review status: no assertion criteria provided. Collection method: clinical testing. Allele origin: germline. Not counted in ClinVar's aggregate classification.
Comment: This variant is classified as likely benign based on ACMG/AMP sequence variant interpretation guidelines (Richards et al. 2015 PMID: 25741868, with internal and published modifications).

NM_005263.5(GFI1):c.-14A>C

Gene: GFI1 (growth factor independent 1 transcriptional repressor; minus strand). Cytogenetic location: 1p22.1.
Variant type: single nucleotide variant.
Coding change: c.-14A>C on transcript NM_005263.5 (MANE Select); 14 bases upstream of the start codon, A replaced by C.
Molecular consequence: 5 prime UTR variant.
Genome position (GRCh38, 1-based): chr1:92,483,501, T>G on the plus strand (A>C on the coding strand, the complement: GFI1 is on the minus strand). VCF-style: chr1-92483501-T-G. GRCh37 (hg19) VCF-style: chr1-92949058-T-G.
Other names: c.-14A>C (NM_001127215.3, NM_001127216.3).
Identifiers: ClinVar variation 538142 (VCV000538142.17), dbSNP rs200972824, ClinGen allele CA951523.
Genomic context (GRCh38, chr1:92,483,501, plus strand): 5'-TGGTAGCTGTGAGCCTTCTTGCTTTTGACGAGAAATGAGCGCGGCATGGTGGTCCGGCAC[T>G]TTCCCCACTGCGCCCCAAGAGTCCCTGGAGCCGCTGTCACCCACGGTCACTCCGAGGGCT-3'